The following is an entry in ClinVar:

ClinVar aggregate classification (germline): Likely benign (0 of 4 stars; one submission).

Conditions:
TRPC6-related disorder. Also called: TRPC6-related condition.

Allele frequency attached by ClinVar (database versions not stated): TOPMed 0.00006; gnomAD 0.00009.
gnomAD v4.1: 17 of 1,613,894 alleles (0.0011%); highest among the groups gnomAD compares: African/African-American, 0.016%; no homozygotes.

Submission:

PreventionGenetics, part of Exact Sciences
Classification: Likely benign for TRPC6-related condition. Last evaluated: 2019-08-26. Review status: no assertion criteria provided. Collection method: clinical testing. Allele origin: germline.
Comment: This variant is classified as likely benign based on ACMG/AMP sequence variant interpretation guidelines (Richards et al. 2015 PMID: 25741868, with internal and published modifications).

NM_004621.6(TRPC6):c.1551C>A (p.Gly517=)

Gene: TRPC6 (transient receptor potential cation channel subfamily C member 6; minus strand). Cytogenetic location: 11q22.1.
Variant type: single nucleotide variant.
Coding change: c.1551C>A on transcript NM_004621.6 (MANE Select); coding-DNA position 1551, C replaced by A.
Protein change: p.Gly517=; no amino-acid change (glycine 517 retained).
Molecular consequence: synonymous variant.
Genome position (GRCh38, 1-based): chr11:101,476,494, G>T on the plus strand (C>A on the coding strand, the complement: TRPC6 is on the minus strand). VCF-style: chr11-101476494-G-T. GRCh37 (hg19) VCF-style: chr11-101347225-G-T.
Identifiers: ClinVar variation 3053269 (VCV003053269.2), dbSNP rs1028239385, ClinGen allele CA227514066.
Genomic context (GRCh38, chr11:101,476,494, plus strand): 5'-GAAAATTGCTAACATACCAAAATCAAGCATGTTCCACAACTCAAACAAATATTCCTTGGG[G>T]CCCTGAGTCCAGATTTCTTTACATTCAGCCCATATCATGCCTGCATCAGAAAGGGGTTAA-3'
Protein context (NP_004612.2, residues 507-527): WAECKEIWTQ[Gly517=]PKEYLFELWN